The following is an entry in ClinVar:

NM_006364.4(SEC23A):c.1164A>T (p.Arg388Ser)

Gene: SEC23A (SEC23 homolog A, COPII component; minus strand). Cytogenetic location: 14q21.1.
Variant type: single nucleotide variant.
Coding change: c.1164A>T on transcript NM_006364.4 (MANE Select); coding-DNA position 1164, A replaced by T.
Protein change: p.Arg388Ser; replaces arginine 388 with serine.
Molecular consequence: missense variant.
Genome position (GRCh38, 1-based): chr14:39,067,236, T>A on the plus strand (A>T on the coding strand, the complement: SEC23A is on the minus strand). VCF-style: chr14-39067236-T-A. GRCh37 (hg19) VCF-style: chr14-39536440-T-A.
Other names: short protein forms R388S.
Identifiers: ClinVar variation 5040096 (VCV005040096.1).
Genomic context (GRCh38, chr14:39,067,236, plus strand): 5'-TATTTCTAGCGTACCACCAAAGCCCATTTTAAACTGTCCATGCATGTCTTTGGTAAAGAC[T>A]CTTTGAAAAGTTTGTTTGAATAAGGAAGTATTGAAAGAATCACCCATTACCATGTATCCT-3'
Protein context (NP_006355.2, residues 378-398): NTSLFKQTFQ[Arg388Ser]VFTKDMHGQF

ClinVar aggregate classification (germline): Uncertain significance (1 of 4 stars; one submission).

gnomAD v4.1: 1 of 1,613,610 alleles (0.000062%); highest among the groups gnomAD compares: Admixed American, 0.0017%; no homozygotes.

Submission:

CeGaT Center for Human Genetics Tuebingen
Classification: Uncertain significance. Last evaluated: 2026-07-01. Review status: criteria provided, single submitter. Criteria: CeGaT Center For Human Genetics Tuebingen Variant Classification Criteria Version 2. Collection method: clinical testing. Allele origin: germline. Affected: yes. Observed: 1 variant allele.
Comment: SEC23A: PM2, PP3